The following is an entry in ClinVar:

NM_001352514.2(HLCS):c.1870A>G (p.Thr624Ala)

Gene: HLCS (holocarboxylase synthetase; minus strand). Cytogenetic location: 21q22.13.
Variant type: single nucleotide variant.
Coding change: c.1870A>G on transcript NM_001352514.2 (MANE Select); coding-DNA position 1870, A replaced by G.
Protein change: p.Thr624Ala; replaces threonine 624 with alanine.
Molecular consequence: missense variant. On other transcripts: non-coding transcript variant (2).
Genome position (GRCh38, 1-based): chr21:36,896,882, T>C on the plus strand (A>G on the coding strand, the complement: HLCS is on the minus strand). VCF-style: chr21-36896882-T-C. GRCh37 (hg19) VCF-style: chr21-38269182-T-C.
Other names: c.1429A>G, p.Thr477Ala (NM_000411.8, NM_001242784.3, NM_001242785.2 and 4 more transcripts); short protein forms T477A, T624A.
Identifiers: ClinVar variation 4849862 (VCV004849862.1).

ClinVar aggregate classification (germline): Uncertain significance (1 of 4 stars; one submission).

Conditions:
Holocarboxylase synthetase deficiency. Also called: MULTIPLE CARBOXYLASE DEFICIENCY, EARLY ONSET. Identifiers: Orphanet 79242, MedGen C0268581, MONDO:0009666, OMIM 253270.

Submission:

Egypt Genome Project
Classification: Uncertain significance for Holocarboxylase synthetase deficiency. Last evaluated: 2026-02-01. Review status: criteria provided, single submitter. Criteria: ACMG Guidelines, 2015. Collection method: research. Allele origin: germline. Affected: yes.
Comment: The NM_000411.6 c.1429A>G is classified as Variant of uncertain significance based on the AMCG/AMP criteria (PM1, PM2, PM3-supporting, PP4, BP4)